The following is an entry in ClinVar:

ClinVar aggregate classification (germline): Uncertain significance (1 of 4 stars; one submission).

Submission:

GeneDx
Classification: Uncertain significance. Last evaluated: 2025-02-20. Review status: criteria provided, single submitter. Criteria: GeneDx Variant Classification Process June 2021. Collection method: clinical testing. Allele origin: germline. Affected: yes.
Comment: Nonsense variant predicted to result in protein truncation or nonsense mediated decay in a gene or region of a gene for which loss of function is not a well-established mechanism of disease; Has not been previously published as pathogenic or benign to our knowledge

NM_001379451.1(BCORL1):c.42G>A (p.Trp14Ter)

Gene: BCORL1 (BCL6 corepressor like 1; plus strand). Cytogenetic location: Xq26.1.
Variant type: single nucleotide variant.
Coding change: c.42G>A on transcript NM_001379451.1 (MANE Select); coding-DNA position 42, G replaced by A.
Protein change: p.Trp14Ter; replaces tryptophan 14 with a stop codon.
Molecular consequence: nonsense.
Genome position (GRCh38, 1-based): chrX:130,005,273, G>A. VCF-style: chrX-130005273-G-A. GRCh37 (hg19) VCF-style: chrX-129139249-G-A.
Other names: c.42G>A, p.Trp14Ter (NM_001184772.3, NM_001379450.1, NM_001441326.1 and 7 more transcripts); short protein forms W14*.
Identifiers: ClinVar variation 4077252 (VCV004077252.1).
Genomic context (GRCh38, chrX:130,005,273, plus strand): 5'-CTGGTGGTGAGTGGCTGTCATGATCTCTACAGCACCGCTCTACAGCGGCGTGCACAACTG[G>A]ACCAGTTCTGACCGGATTCGCATGTGTGGCATCAACGAGGAGAGGTGAGGAGGCCAGGAA-3'